The following is an entry in ClinVar:

GRCh38/hg38 17p13.3(chr17:1227482-1506548)x1

Genes: ABR (ABR activator of RhoGEF and GTPase; minus strand), BHLHA9 (basic helix-loop-helix family member a9; plus strand), CRK (CRK proto-oncogene, adaptor protein; minus strand), CRK-AS1 (CRK antisense RNA 1; plus strand), INPP5K (inositol polyphosphate-5-phosphatase K; minus strand) and 17 more. Cytogenetic location: 17p13.3.
Variant type: copy number loss.
Change: copy number 1 (one copy instead of two) of chr17:1,227,482-1,506,548 (279.1 kb, GRCh38 coordinates, 1-based), cytogenetic band 17p13.3.
Identifiers: ClinVar variation 57472 (VCV000057472.1).

ClinVar aggregate classification (germline): Pathogenic (1 of 4 stars; one submission).

Submission:

ISCA site 4
Classification: Pathogenic. Last evaluated: 2011-08-12. Review status: criteria provided, single submitter. Criteria: Kaminsky et al. (Genet Med. 2011). Collection method: clinical testing. Allele origin: de novo. Affected: yes. Observed: 1 variant allele.
Comment: Copy number variation identified through the course of routine clinical cytogenomic testing in postnatal populations. Clinical assertions have been curated as described in Kaminsky et al. 2011.